The following is an entry in ClinVar:

NM_015346.4(ZFYVE26):c.4153C>T (p.Gln1385Ter)

Gene: ZFYVE26 (zinc finger FYVE-type containing 26; minus strand). Cytogenetic location: 14q24.1.
Variant type: single nucleotide variant.
Coding change: c.4153C>T on transcript NM_015346.4 (MANE Select); coding-DNA position 4153, C replaced by T.
Protein change: p.Gln1385Ter; replaces glutamine 1385 with a stop codon.
Molecular consequence: nonsense.
Genome position (GRCh38, 1-based): chr14:67,782,999, G>A on the plus strand (C>T on the coding strand, the complement: ZFYVE26 is on the minus strand). VCF-style: chr14-67782999-G-A. GRCh37 (hg19) VCF-style: chr14-68249716-G-A.
Other names: short protein forms Q1385*.
Identifiers: ClinVar variation 930780 (VCV000930780.3), dbSNP rs2039544464, ClinGen allele CA390170732.

ClinVar aggregate classification (germline): Likely pathogenic (1 of 4 stars; one submission).

Conditions:
Hereditary spastic paraplegia 15 (SPG15). Also called: KJELLIN SYNDROME; SPASTIC PARAPLEGIA AND RETINAL DEGENERATION; SPASTIC PARAPLEGIA 15, AUTOSOMAL RECESSIVE. Identifiers: Orphanet 100996, MedGen C1849128, MONDO:0010044, OMIM 270700.

Allele frequency attached by ClinVar (database versions not stated): gnomAD exomes below 0.00001.
gnomAD v4.1: 1 of 1,614,216 alleles (0.000062%); highest among the groups gnomAD compares: Non-Finnish European, 0.000085%; no homozygotes.

Submission:

Centre for Mendelian Genomics, University Medical Centre Ljubljana
Classification: Likely pathogenic for Hereditary spastic paraplegia 15. Last evaluated: 2019-09-25. Review status: criteria provided, single submitter. Criteria: ACMG Guidelines, 2015. Collection method: clinical testing. Allele origin: unknown. Affected: yes.
Comment: This variant was classified as: Likely pathogenic. The following ACMG criteria were applied in classifying this variant: PVS1,PM2.